The following is an entry in ClinVar:

NM_001205293.3(CACNA1E):c.6074G>A (p.Arg2025Gln)

Gene: CACNA1E (calcium voltage-gated channel subunit alpha1 E; plus strand). Cytogenetic location: 1q25.3.
Variant type: single nucleotide variant.
Coding change: c.6074G>A on transcript NM_001205293.3 (MANE Select); coding-DNA position 6074, G replaced by A.
Protein change: p.Arg2025Gln; replaces arginine 2025 with glutamine.
Molecular consequence: missense variant.
Genome position (GRCh38, 1-based): chr1:181,794,910, G>A. VCF-style: chr1-181794910-G-A. GRCh37 (hg19) VCF-style: chr1-181764046-G-A.
Other names: c.5945G>A, p.Arg1982Gln (NM_000721.4); c.5888G>A, p.Arg1963Gln (NM_001205294.2); c.6074G>A (NM_001205293.1); short protein forms R1982Q, R2025Q, R1963Q.
Identifiers: ClinVar variation 1937548 (VCV001937548.7), dbSNP rs764017933, ClinGen allele CA1276316.

ClinVar aggregate classification (germline): Conflicting classifications of pathogenicity. Review status: criteria provided, conflicting classifications (1 of 4 stars). 2 submissions from 2 submitters: Uncertain significance (1); Likely benign (1). Last evaluated 2023-12-23.

Conditions:
Inborn genetic diseases. Identifiers: MedGen C0950123, MeSH D030342.

Allele frequency attached by ClinVar (database versions not stated): TOPMed below 0.00001; ExAC 0.00001.
gnomAD v4.1: 9 of 1,613,728 alleles (0.00056%); highest among the groups gnomAD compares: South Asian, 0.0022%; no homozygotes.

Submissions (2):

Labcorp Genetics (formerly Invitae), Labcorp
Classification: Uncertain significance. Last evaluated: 2023-12-23. Review status: criteria provided, single submitter. Criteria: Invitae Variant Classification Sherloc (09022015). Collection method: clinical testing. Allele origin: germline.
Comment: This sequence change replaces arginine, which is basic and polar, with glutamine, which is neutral and polar, at codon 1982 of the CACNA1E protein (p.Arg1982Gln). This variant is present in population databases (rs764017933, gnomAD 0.003%). This variant has not been reported in the literature in individuals affected with CACNA1E-related conditions. ClinVar contains an entry for this variant (Variation ID: 1937548). Advanced modeling of protein sequence and biophysical properties (such as structural, functional, and spatial information, amino acid conservation, physicochemical variation, residue mobility, and thermodynamic stability) has been performed at Invitae for this missense variant, however the output from this modeling did not meet the statistical confidence thresholds required to predict the impact of this variant on CACNA1E protein function. Algorithms developed to predict the effect of sequence changes on RNA splicing suggest that this variant may create or strengthen a splice site. In summary, the available evidence is currently insufficient to determine the role of this variant in disease. Therefore, it has been classified as a Variant of Uncertain Significance.

Ambry Genetics
Classification: Likely benign for Inborn genetic diseases. Last evaluated: 2023-05-25. Review status: criteria provided, single submitter. Criteria: Ambry Variant Classification Scheme 2023. Collection method: clinical testing. Allele origin: germline.